The following is an entry in ClinVar:

ClinVar aggregate classification (germline): Conflicting classifications of pathogenicity. Review status: criteria provided, conflicting classifications (1 of 4 stars). 7 submissions from 7 submitters: Uncertain significance (2); Benign (2); Likely benign (2). 1 of the submissions does not count toward it. Last evaluated 2026-02-01.

Conditions:
Retinal dystrophy. Also called: Inherited retinal dystrophy. Identifiers: Orphanet 71862, MedGen C0854723, MeSH D058499, MONDO:0019118, HP:0000556.
Retinitis pigmentosa (RP). Identifiers: Orphanet 791, MedGen C0035334, MeSH D012174, MONDO:0019200, OMIM 268000. Inheritance: Autosomal dominant, autosomal recessive and X linked inheritance.
Retinitis pigmentosa 26 (RP26). Identifiers: Orphanet 791, MedGen C1842127, MONDO:0012024, OMIM 608380.

Allele frequency attached by ClinVar (database versions not stated): gnomAD exomes 0.00064 and 0.00212; ExAC 0.00224; ESP Exome Variant Server 0.00300; gnomAD 0.00363 and 0.00370; TOPMed 0.00410; 1000 Genomes Project 30x 0.00656; 1000 Genomes Project 0.00699.
gnomAD v4.1: 1,549 of 1,612,230 alleles (0.096%); highest among the groups gnomAD compares: African/African-American, 1.1%; 11 homozygotes.

Submissions (7):

Labcorp Genetics (formerly Invitae), Labcorp
Classification: Benign. Last evaluated: 2026-02-01. Review status: criteria provided, single submitter. Criteria: Invitae Variant Classification Sherloc (09022015). Collection method: clinical testing. Allele origin: germline.

CeGaT Center for Human Genetics Tuebingen
Classification: Likely benign. Last evaluated: 2024-11-01. Review status: criteria provided, single submitter. Criteria: CeGaT Center For Human Genetics Tuebingen Variant Classification Criteria Version 2. Collection method: clinical testing. Allele origin: germline. Affected: yes. Observed: 1 variant allele.
Comment: CERKL: BP4, BS1

Dept Of Ophthalmology, Nagoya University
Classification: Benign for Retinal dystrophy. Last evaluated: 2023-10-01. Review status: criteria provided, single submitter. Criteria: Submitter's publication. Collection method: research. Allele origin: germline. Affected: yes.

Illumina Laboratory Services, Illumina
Classification: Uncertain significance for Retinitis pigmentosa. Last evaluated: 2018-01-12. Review status: criteria provided, single submitter. Criteria: ICSL Variant Classification Criteria 13 December 2019. Collection method: clinical testing. Allele origin: germline.

GeneDx
Classification: Likely benign. Last evaluated: 2017-07-28. Review status: criteria provided, single submitter. Criteria: GeneDx Variant Classification (06012015). Collection method: clinical testing. Allele origin: germline. Affected: yes.
Comment: This variant is considered likely benign or benign based on one or more of the following criteria: it is a conservative change, it occurs at a poorly conserved position in the protein, it is predicted to be benign by multiple in silico algorithms, and/or has population frequency not consistent with disease.

Department of Medical Genetics, College of Basic Medicine, Army Medical University
Classification: Uncertain significance for Retinitis pigmentosa 26. Review status: criteria provided, single submitter. Criteria: ACMG Guidelines, 2015. Collection method: clinical testing. Allele origin: maternal. Inheritance: Autosomal recessive inheritance. Affected: yes.

Natera, Inc.
Classification: Uncertain significance for Retinitis pigmentosa. Last evaluated: 2020-01-09. Review status: no assertion criteria provided. Collection method: clinical testing. Allele origin: germline. Not counted in ClinVar's aggregate classification.

NM_201548.5(CERKL):c.313C>T (p.Arg105Trp)

Gene: CERKL (CERK like autophagy regulator; minus strand). Cytogenetic location: 2q31.3.
Variant type: single nucleotide variant.
Coding change: c.313C>T on transcript NM_201548.5 (MANE Select); coding-DNA position 313, C replaced by T.
Protein change: p.Arg105Trp; replaces arginine 105 with tryptophan.
Molecular consequence: missense variant. On other transcripts: non-coding transcript variant (2).
Genome position (GRCh38, 1-based): chr2:181,604,005, G>A on the plus strand (C>T on the coding strand, the complement: CERKL is on the minus strand). VCF-style: chr2-181604005-G-A. GRCh37 (hg19) VCF-style: chr2-182468732-G-A.
Other names: c.313C>T, p.Arg105Trp (NM_001030311.3, NM_001030312.3, NM_001030313.3 and 1 more transcripts); short protein forms R105W.
Identifiers: ClinVar variation 333011 (VCV000333011.33), dbSNP rs149078111, ClinGen allele CA2010869.